The following is an entry in ClinVar:

ClinVar aggregate classification (germline): Likely pathogenic (1 of 4 stars; one submission).

Conditions:
Joubert syndrome. Also called: JOUBERT-BOLTSHAUSER SYNDROME; Familial aplasia of the vermis. Identifiers: Orphanet 475, MedGen C5979921, MONDO:0018772.
Meckel-Gruber syndrome. Also called: DYSENCEPHALIA SPLANCHNOCYSTICA; GRUBER SYNDROME; Dysencephalia splachnocystica. Identifiers: Orphanet 564, MedGen C0265215, MONDO:0018921.

Submission:

Labcorp Genetics (formerly Invitae), Labcorp
Classification: Likely pathogenic for Joubert syndrome; Meckel-Gruber syndrome. Last evaluated: 2025-03-20. Review status: criteria provided, single submitter. Criteria: Invitae Variant Classification Sherloc (09022015). Collection method: clinical testing. Allele origin: germline.
Comment: This sequence change affects an acceptor splice site in intron 28 of the CC2D2A gene. It is expected to disrupt RNA splicing. Variants that disrupt the donor or acceptor splice site typically lead to a loss of protein function (PMID: 16199547), and loss-of-function variants in CC2D2A are known to be pathogenic (PMID: 19777577). This variant is not present in population databases (gnomAD no frequency). This variant has not been reported in the literature in individuals affected with CC2D2A-related conditions. Algorithms developed to predict the effect of sequence changes on RNA splicing suggest that this variant may disrupt the consensus splice site. In summary, the currently available evidence indicates that the variant is pathogenic, but additional data are needed to prove that conclusively. Therefore, this variant has been classified as Likely Pathogenic.

Literature cited by the submitters: PubMed 16199547; PubMed 19777577.

NM_001378615.1(CC2D2A):c.3496-1G>A

Genes: CC2D2A (coiled-coil and C2 domain containing 2A; plus strand), FBXL5 (F-box and leucine rich repeat protein 5; minus strand). Cytogenetic location: 4p15.32.
Variant type: single nucleotide variant.
Coding change: c.3496-1G>A on transcript NM_001378615.1 (MANE Select); the canonical splice acceptor site of the intron before coding-DNA position 3496, G replaced by A.
Molecular consequence: splice acceptor variant.
Genome position (GRCh38, 1-based): chr4:15,570,397, G>A. VCF-style: chr4-15570397-G-A. GRCh37 (hg19) VCF-style: chr4-15572020-G-A.
Other names: c.3496-1G>A (NM_001080522.2); c.3349-1G>A (NM_001378617.1).
Identifiers: ClinVar variation 4784494 (VCV004784494.1).
Genomic context (GRCh38, chr4:15,570,397, plus strand): 5'-AGATTAATTAAATGAGTTTCTGGAGTTCTTAAGCAATTATTACTTCCCACCCTTCCTTTA[G>A]GATGACCGTGAAAGAGGAAGTGGAATCCATACTCGTATTGAGAGACACTGGCTGGGATGT-3'